The following is an entry in ClinVar:

ClinVar aggregate classification (germline): Uncertain significance. Review status: criteria provided, multiple submitters, no conflicts (2 of 4 stars). 2 submissions from 2 submitters: Uncertain significance (2). Last evaluated 2025-02-02.

Conditions:
Inborn genetic diseases. Identifiers: MedGen C0950123, MeSH D030342.

gnomAD v4.1: 6 of 1,551,684 alleles (0.00039%); highest among the groups gnomAD compares: Admixed American, 0.002%; no homozygotes.

Submissions (2):

Ambry Genetics
Classification: Uncertain significance for Inborn genetic diseases. Last evaluated: 2025-02-02. Review status: criteria provided, single submitter. Criteria: Ambry Variant Classification Scheme 2023. Collection method: clinical testing. Allele origin: germline.

CeGaT Center for Human Genetics Tuebingen
Classification: Uncertain significance. Last evaluated: 2024-11-01. Review status: criteria provided, single submitter. Criteria: CeGaT Center For Human Genetics Tuebingen Variant Classification Criteria Version 2. Collection method: clinical testing. Allele origin: germline. Affected: yes. Observed: 1 variant allele.
Comment: SLC39A14: PM2

NM_001128431.4(SLC39A14):c.523G>A (p.Val175Met)

Gene: SLC39A14 (solute carrier family 39 member 14; plus strand). Cytogenetic location: 8p21.3.
Variant type: single nucleotide variant.
Coding change: c.523G>A on transcript NM_001128431.4 (MANE Select); coding-DNA position 523, G replaced by A.
Protein change: p.Val175Met; replaces valine 175 with methionine.
Molecular consequence: missense variant. On other transcripts: intron variant (1).
Genome position (GRCh38, 1-based): chr8:22,412,102, G>A. VCF-style: chr8-22412102-G-A. GRCh37 (hg19) VCF-style: chr8-22269615-G-A.
Other names: c.523G>A (NM_001135153.1); c.553G>A, p.Val185Met (NM_001351659.2, NM_001351657.2, NM_001351658.2); c.523G>A, p.Val175Met (NM_001351660.2, NM_001135153.3, NM_001135154.3 and 2 more transcripts); c.627+1987G>A (NM_015359.6); short protein forms V175M, V185M.
Identifiers: ClinVar variation 3390265 (VCV003390265.15).
Genomic context (GRCh38, chr8:22,412,102, plus strand): 5'-GGATACGGTCTCCTCTGTGTGACCGTCATCTCCCTCTGCTCCCTCCTGGGGGCCAGCGTG[G>A]TGCCCTTCATGAAGAAGACCTTTTACAAGAGGCTGCTGCTCTACTTCATAGCTCTGGCGA-3'
Protein context (NP_001121903.1, residues 165-185): SLCSLLGASV[Val175Met]PFMKKTFYKR